The following is an entry in ClinVar:

ClinVar aggregate classification (germline): Benign/Likely benign. Review status: criteria provided, multiple submitters, no conflicts (2 of 4 stars). 7 submissions from 5 submitters: Benign (1); Likely benign (6). Last evaluated 2026-01-07.

Conditions:
Leprechaunism syndrome. Also called: Donohue syndrome; LEPRECHAUNISM. Identifiers: Orphanet 508, MedGen C0265344, MONDO:0009517, OMIM 246200.
Rabson-Mendenhall syndrome. Also called: MENDENHALL SYNDROME; Pineal Hyperplasia, Insulin-Resistant Diabetes Mellitus, and Somatic Abnormalities; Pineal hyperplasia AND diabetes mellitus syndrome. Identifiers: Orphanet 769, MedGen C0271695, MONDO:0009874, OMIM 262190.
Insulin-resistant diabetes mellitus AND acanthosis nigricans. Also called: DIABETES MELLITUS, INSULIN-RESISTANT, WITH ACANTHOSIS NIGRICANS, TYPE A; Insulin-resistance syndrome type A; type A insulin resistance; INSULIN RECEPTOR, DEFECT IN, WITH INSULIN-RESISTANT DIABETES MELLITUS AND ACANTHOSIS NIGRICANS; IRAN, TYPE A. Identifiers: Orphanet 2297, MedGen C0342278, MONDO:0012520, OMIM 610549.

Allele frequency attached by ClinVar (database versions not stated): 1000 Genomes Project 0.00220; 1000 Genomes Project 30x 0.00250; TOPMed 0.00444; gnomAD 0.00602 and 0.00616; ESP Exome Variant Server 0.00661; ExAC 0.00666; gnomAD exomes 0.00694 and 0.00780.
gnomAD v4.1: 12,192 of 1,614,092 alleles (0.76%); highest among the groups gnomAD compares: Non-Finnish European, 0.81%; 79 homozygotes.

Submissions (7):

Labcorp Genetics (formerly Invitae), Labcorp
Classification: Benign. Last evaluated: 2026-01-07. Review status: criteria provided, single submitter. Criteria: Invitae Variant Classification Sherloc (09022015). Collection method: clinical testing. Allele origin: germline.

CeGaT Center for Human Genetics Tuebingen
Classification: Likely benign. Last evaluated: 2025-12-01. Review status: criteria provided, single submitter. Criteria: CeGaT Center For Human Genetics Tuebingen Variant Classification Criteria Version 2. Collection method: clinical testing. Allele origin: germline. Affected: yes. Observed: 3 variant alleles.
Comment: INSR: BS2

Blueprint Genetics
Classification: Likely benign. Last evaluated: 2024-11-18. Review status: criteria provided, single submitter. Criteria: ACMG Guidelines, 2015. Collection method: clinical testing. Allele origin: germline.

Illumina Laboratory Services, Illumina
Classification: Likely benign for Rabson-Mendenhall syndrome. Last evaluated: 2018-01-13. Review status: criteria provided, single submitter. Criteria: ICSL Variant Classification Criteria 13 December 2019. Collection method: clinical testing. Allele origin: germline.
Comment: This variant was observed in the ICSL laboratory as part of a predisposition screen in an ostensibly healthy population. It had not been previously curated by ICSL or reported in the Human Gene Mutation Database (HGMD: prior to June 1st, 2018), and was therefore a candidate for classification through an automated scoring system. Utilizing variant allele frequency, disease prevalence and penetrance estimates, and inheritance mode, an automated score was calculated to assess if this variant is too frequent to cause the disease. Based on the score and internal cut-off values, a variant classified as likely benign is not then subjected to further curation. The score for this variant resulted in a classification of likely benign for this disease.

Illumina Laboratory Services, Illumina
Classification: Likely benign for Leprechaunism syndrome. Last evaluated: 2018-01-13. Review status: criteria provided, single submitter. Criteria: ICSL Variant Classification Criteria 13 December 2019. Collection method: clinical testing. Allele origin: germline.
Comment: the same text as in the submission from Illumina Laboratory Services, Illumina above.

Illumina Laboratory Services, Illumina
Classification: Likely benign for Insulin-resistant diabetes mellitus AND acanthosis nigricans. Last evaluated: 2018-01-13. Review status: criteria provided, single submitter. Criteria: ICSL Variant Classification Criteria 13 December 2019. Collection method: clinical testing. Allele origin: germline.
Comment: the same text as in the submission from Illumina Laboratory Services, Illumina above.

Breakthrough Genomics
Classification: Likely benign. Review status: criteria provided, single submitter. Criteria: ACMG Guidelines, 2015. Collection method: not provided. Allele origin: germline. Inheritance: Autosomal recessive inheritance. Affected: yes.

NM_000208.4(INSR):c.3370-15G>A

Gene: INSR (insulin receptor; minus strand). Cytogenetic location: 19p13.2.
Variant type: single nucleotide variant.
Coding change: c.3370-15G>A on transcript NM_000208.4 (MANE Select); 15 bases into the intron before coding-DNA position 3370, G replaced by A.
Molecular consequence: intron variant.
Genome position (GRCh38, 1-based): chr19:7,122,788, C>T on the plus strand (G>A on the coding strand, the complement: INSR is on the minus strand). VCF-style: chr19-7122788-C-T. GRCh37 (hg19) VCF-style: chr19-7122799-C-T.
Other names: c.3334-15G>A (NM_001079817.3).
Identifiers: ClinVar variation 330445 (VCV000330445.38), dbSNP rs41300628, ClinGen allele CA9135265.